The following is an entry in ClinVar:

ClinVar aggregate classification (germline): Uncertain significance (1 of 4 stars; one submission).

Submissions (2):

GeneDx
Classification: Uncertain significance. Last evaluated: 2021-06-15. Review status: criteria provided, single submitter. Criteria: GeneDx Variant Classification Process June 2021. Collection method: clinical testing. Allele origin: germline. Affected: yes.
Comment: Has not been previously published as pathogenic or benign to our knowledge; Not observed at significant frequency in large population cohorts (Lek et al., 2016); Canonical splice site variant predicted to result in a null allele in a gene for which loss-of-function is not a known mechanism of disease; This variant is associated with the following publications: (PMID: 27535533)

Dr. Peter K. Rogan Lab, Western University
No classification provided (evidence only). Condition: Colon adenocarcinoma. Review status: no classification provided. Collection method: in vitro. Allele origin: not applicable. Functional consequence: skipped exon, retained intron. Not counted in ClinVar's aggregate classification.

NM_004218.4(RAB11B):c.41-2A>G

Gene: RAB11B (RAB11B, member RAS oncogene family; plus strand). Cytogenetic location: 19p13.2.
Variant type: single nucleotide variant.
Coding change: c.41-2A>G on transcript NM_004218.4 (MANE Select); the canonical splice acceptor site of the intron before coding-DNA position 41, A replaced by G.
Molecular consequence: splice acceptor variant.
Genome position (GRCh38, 1-based): chr19:8,399,861, A>G. VCF-style: chr19-8399861-A-G. GRCh37 (hg19) VCF-style: chr19-8464745-A-G.
Other names: NC_000019.9:g.8464745A>G.
Identifiers: ClinVar variation 1328595 (VCV001328595.3), dbSNP rs2145511465, ClinGen allele CA403709369.
Genomic context (GRCh38, chr19:8,399,861, plus strand): 5'-AGGTTGTGGGGGCAGTCGTGGGTGGAGTGTGGGGATTCACAGAACCTCGCCTTCCCGCCC[A>G]GTGGTGCTCATCGGGGACTCAGGCGTGGGCAAGAGCAACCTGCTGTCGCGCTTCACCCGC-3'